The following is an entry in ClinVar:

ClinVar aggregate classification (germline): Uncertain significance. Review status: criteria provided, multiple submitters, no conflicts (2 of 4 stars). 2 submissions from 2 submitters: Uncertain significance (2). Last evaluated 2025-09-10.

Conditions:
Inborn genetic diseases. Identifiers: MedGen C0950123, MeSH D030342.

Allele frequency attached by ClinVar (database versions not stated): gnomAD exomes below 0.00001; TOPMed below 0.00001; gnomAD 0.00001.
gnomAD v4.1: 4 of 1,603,754 alleles (0.00025%); highest among the groups gnomAD compares: Non-Finnish European, 0.00034%; no homozygotes.

Submissions (2):

Ambry Genetics
Classification: Uncertain significance for Inborn genetic diseases. Last evaluated: 2025-09-10. Review status: criteria provided, single submitter. Criteria: Ambry Variant Classification Scheme 2023. Collection method: clinical testing. Allele origin: germline.

Labcorp Genetics (formerly Invitae), Labcorp
Classification: Uncertain significance. Last evaluated: 2024-12-02. Review status: criteria provided, single submitter. Criteria: Invitae Variant Classification Sherloc (09022015). Collection method: clinical testing. Allele origin: germline.
Comment: This sequence change replaces glycine, which is neutral and non-polar, with glutamic acid, which is acidic and polar, at codon 289 of the CYP26B1 protein (p.Gly289Glu). This variant is not present in population databases (gnomAD no frequency). This variant has not been reported in the literature in individuals affected with CYP26B1-related conditions. ClinVar contains an entry for this variant (Variation ID: 2905406). Invitae Evidence Modeling of protein sequence and biophysical properties (such as structural, functional, and spatial information, amino acid conservation, physicochemical variation, residue mobility, and thermodynamic stability) indicates that this missense variant is not expected to disrupt CYP26B1 protein function with a negative predictive value of 95%. In summary, the available evidence is currently insufficient to determine the role of this variant in disease. Therefore, it has been classified as a Variant of Uncertain Significance.

NM_019885.4(CYP26B1):c.866G>A (p.Gly289Glu)

Gene: CYP26B1 (cytochrome P450 family 26 subfamily B member 1; minus strand). Cytogenetic location: 2p13.2.
Variant type: single nucleotide variant.
Coding change: c.866G>A on transcript NM_019885.4 (MANE Select); coding-DNA position 866, G replaced by A.
Protein change: p.Gly289Glu; replaces glycine 289 with glutamic acid.
Molecular consequence: missense variant.
Genome position (GRCh38, 1-based): chr2:72,133,303, C>T on the plus strand (G>A on the coding strand, the complement: CYP26B1 is on the minus strand). VCF-style: chr2-72133303-C-T. GRCh37 (hg19) VCF-style: chr2-72360432-C-T.
Other names: c.641G>A, p.Gly214Glu (NM_001277742.2); c.866G>A (NM_019885.2); short protein forms G214E, G289E.
Identifiers: ClinVar variation 2905406 (VCV002905406.4), dbSNP rs1676654278, ClinGen allele CA347224162.